The following is an entry in ClinVar:

NM_000044.6(AR):c.2761T>C (p.Ter921Arg)

Gene: AR (androgen receptor; plus strand). Cytogenetic location: Xq12.
Variant type: single nucleotide variant.
Coding change: c.2761T>C on transcript NM_000044.6 (MANE Select); coding-DNA position 2761, T replaced by C.
Protein change: p.Ter921Arg.
Molecular consequence: stop lost.
Genome position (GRCh38, 1-based): chrX:67,723,839, T>C. VCF-style: chrX-67723839-T-C. GRCh37 (hg19) VCF-style: chrX-66943681-T-C.
Other names: c.1165T>C, p.Ter389Arg (NM_001011645.3).
Identifiers: ClinVar variation 1918318 (VCV001918318.5), dbSNP rs2147540901, ClinGen allele CA413428504.

ClinVar aggregate classification (germline): Likely pathogenic (1 of 4 stars; one submission).

Conditions:
Androgen resistance syndrome (AIS). Also called: TESTICULAR FEMINIZATION SYNDROME; Androgen insensitivity syndrome; Androgen insensitivity, complete; Androgen insensitivity syndrome due to coactivator deficiency; ANDROGEN RECEPTOR DEFICIENCY; DIHYDROTESTOSTERONE RECEPTOR DEFICIENCY. Identifiers: Orphanet 754, Orphanet 99429, MedGen C0039585, MONDO:0019154, OMIM 300068. Disease mechanism: loss of function.
Kennedy disease (SMAX1). Also called: SPINAL AND BULBAR MUSCULAR ATROPHY, X-LINKED 1; KENNEDY SPINAL AND BULBAR MUSCULAR ATROPHY; Spinal and Bulbar Muscular Atrophy. Identifiers: Orphanet 481, MedGen C1839259, MONDO:0010735, OMIM 313200.

Submission:

Labcorp Genetics (formerly Invitae), Labcorp
Classification: Likely pathogenic for Kennedy disease; Androgen resistance syndrome. Last evaluated: 2022-03-28. Review status: criteria provided, single submitter. Criteria: Invitae Variant Classification Sherloc (09022015). Collection method: clinical testing. Allele origin: germline.
Comment: In summary, the currently available evidence indicates that the variant is pathogenic, but additional data are needed to prove that conclusively. Therefore, this variant has been classified as Likely Pathogenic. Experimental studies have shown that this protein extension affects AR function (PMID: 32229106). Algorithms developed to predict the effect of variants on protein structure and function are not available or were not evaluated for this variant. This protein extension has been observed in individual(s) with androgen insensitivity syndrome (PMID: 32229106). In at least one individual the variant was observed to be de novo. This variant is not present in population databases (gnomAD no frequency). This sequence change disrupts the translational stop signal of the AR mRNA. It is expected to extend the length of the AR protein by 95 additional amino acid residues.

Literature cited by the submitters: PubMed 32229106.